The following is an entry in ClinVar:

NM_018062.4(FANCL):c.155+4A>G

Gene: FANCL (FA complementation group L; minus strand). Cytogenetic location: 2p16.1.
Variant type: single nucleotide variant.
Coding change: c.155+4A>G on transcript NM_018062.4 (MANE Select); 4 bases into the intron after coding-DNA position 155, A replaced by G.
Molecular consequence: intron variant.
Genome position (GRCh38, 1-based): chr2:58,232,050, T>C on the plus strand (A>G on the coding strand, the complement: FANCL is on the minus strand). VCF-style: chr2-58232050-T-C. GRCh37 (hg19) VCF-style: chr2-58459185-T-C.
Other names: c.155+4A>G (NM_001374615.1, NM_001114636.2, NM_001410792.1).
Identifiers: ClinVar variation 1414588 (VCV001414588.3), dbSNP rs1264877990, ClinGen allele CA770610989.

ClinVar aggregate classification (germline): Uncertain significance (1 of 4 stars; one submission).

Conditions:
Fanconi anemia (FA). Also called: Fanconi's anemia. Identifiers: Orphanet 84, MedGen C0015625, MeSH D005199, MONDO:0019391.

Allele frequency attached by ClinVar (database versions not stated): gnomAD exomes below 0.00001; gnomAD 0.00001; TOPMed 0.00003.
gnomAD v4.1: 3 of 1,612,678 alleles (0.00019%); highest among the groups gnomAD compares: African/African-American, 0.0027%; no homozygotes.

Submission:

Labcorp Genetics (formerly Invitae), Labcorp
Classification: Uncertain significance for Fanconi anemia. Last evaluated: 2021-09-10. Review status: criteria provided, single submitter. Criteria: Invitae Variant Classification Sherloc (09022015). Collection method: clinical testing. Allele origin: germline.
Comment: This sequence change falls in intron 2 of the FANCL gene. It does not directly change the encoded amino acid sequence of the FANCL protein. It affects a nucleotide within the consensus splice site of the intron. This variant is not present in population databases (ExAC no frequency). This variant has not been reported in the literature in individuals affected with FANCL-related conditions. Variants that disrupt the consensus splice site are a relatively common cause of aberrant splicing (PMID: 17576681, 9536098). Algorithms developed to predict the effect of sequence changes on RNA splicing suggest that this variant may disrupt the consensus splice site. In summary, the available evidence is currently insufficient to determine the role of this variant in disease. Therefore, it has been classified as a Variant of Uncertain Significance.

Literature cited by the submitters: PubMed 17576681; PubMed 9536098.